The following is an entry in ClinVar:

ClinVar aggregate classification (germline): Likely pathogenic (1 of 4 stars; one submission).

Conditions:
Loeys-Dietz syndrome (LDS). Identifiers: Orphanet 60030, MedGen C2697932, MONDO:0018954.

Submission:

Laboratory for Molecular Medicine, Mass General Brigham Personalized Medicine
Classification: Likely pathogenic for Loeys-Dietz syndrome. Last evaluated: 2012-04-09. Review status: criteria provided, single submitter. Criteria: LMM Criteria. Collection method: clinical testing. Allele origin: germline. Observed: 1 variant allele.
Comment: The Glu499X variant (TGFBR2) has not been reported in the literature nor previou sly identified by our laboratory. This nonsense variant is located within the se rine-threonine kinase domain and leads to a premature termination codon at posit ion 499, which is predicted to lead to a truncated or absent protein. Two nonsen se variants in TGFBR2 in close proximity to this variant have been previously re ported as pathogenic (Arg495X and Arg497X). The Arg495X variant was reported in an individual with Loeys-Dietz syndrome and a histological assessment of the ind ividual?s aortic tissue supported increased TGF-beta signaling (Loeys 2006). The Arg497X variant was reported in an individual with dilated ascending aorta with out dissection and skeletal system involvement (Singh 2006). In summary, this va riant is likely to be pathogenic, though segregation studies and functional anal yses are required to fully establish the pathogenicity of this variant.

Literature cited by the submitters: PubMed 16928994; PubMed 16799921.

NM_003242.6(TGFBR2):c.1495G>T (p.Glu499Ter)

Gene: TGFBR2 (transforming growth factor beta receptor 2; plus strand). Cytogenetic location: 3p24.1.
Variant type: single nucleotide variant.
Coding change: c.1495G>T on transcript NM_003242.6 (MANE Select); coding-DNA position 1495, G replaced by T.
Protein change: p.Glu499Ter; replaces glutamic acid 499 with a stop codon.
Molecular consequence: nonsense.
Genome position (GRCh38, 1-based): chr3:30,688,482, G>T. VCF-style: chr3-30688482-G-T. GRCh37 (hg19) VCF-style: chr3-30729974-G-T.
Other names: c.1570G>T, p.Glu524Ter (NM_001024847.3); c.1678G>T, p.Glu560Ter (NM_001407126.1); c.1603G>T, p.Glu535Ter (NM_001407127.1); c.1522G>T, p.Glu508Ter (NM_001407128.1); c.1498G>T, p.Glu500Ter (NM_001407129.1); c.1492G>T, p.Glu498Ter (NM_001407130.1); c.1390G>T, p.Glu464Ter (NM_001407132.1, NM_001407133.1, NM_001407134.1 and 2 more transcripts); c.1210G>T, p.Glu404Ter (NM_001407137.1); and 2 more; short protein forms E499*, E524*, E498*, E508*, E535*, E560*, E404*, E464*.
Identifiers: ClinVar variation 44657 (VCV000044657.6), dbSNP rs397516840, ClinGen allele CA020693.